The following is an entry in ClinVar:

ClinVar aggregate classification (germline): Uncertain significance (1 of 4 stars; one submission).

Submission:

GeneDx
Classification: Uncertain significance. Last evaluated: 2023-11-17. Review status: criteria provided, single submitter. Criteria: GeneDx Variant Classification Process June 2021. Collection method: clinical testing. Allele origin: germline. Affected: yes.
Comment: Not observed at significant frequency in large population cohorts (gnomAD); In silico analysis supports that this missense variant has a deleterious effect on protein structure/function; Has not been previously published as pathogenic or benign to our knowledge; Variants in candidate genes are classified as variants of uncertain significance in accordance with ACMG guidelines (PMID: 25741868)

NM_006885.4(ZFHX3):c.2927G>C (p.Trp976Ser)

Gene: ZFHX3 (zinc finger homeobox 3; minus strand). Cytogenetic location: 16q22.3.
Variant type: single nucleotide variant.
Coding change: c.2927G>C on transcript NM_006885.4 (MANE Select); coding-DNA position 2927, G replaced by C.
Protein change: p.Trp976Ser; replaces tryptophan 976 with serine.
Molecular consequence: missense variant.
Genome position (GRCh38, 1-based): chr16:72,950,758, C>G on the plus strand (G>C on the coding strand, the complement: ZFHX3 is on the minus strand). VCF-style: chr16-72950758-C-G. GRCh37 (hg19) VCF-style: chr16-72984657-C-G.
Other names: c.185G>C, p.Trp62Ser (NM_001164766.2); c.2927G>C, p.Trp976Ser (NM_001386735.1); short protein forms W62S, W976S.
Identifiers: ClinVar variation 3364538 (VCV003364538.1).